The following is an entry in ClinVar:

NM_007259.5(VPS45):c.582G>A (p.Val194=)

Gene: VPS45 (vacuolar protein sorting 45 homolog; plus strand). Cytogenetic location: 1q21.2.
Variant type: single nucleotide variant.
Coding change: c.582G>A on transcript NM_007259.5 (MANE Select); coding-DNA position 582, G replaced by A.
Protein change: p.Val194=; no amino-acid change (valine 194 retained).
Molecular consequence: synonymous variant. On other transcripts: non-coding transcript variant (1).
Genome position (GRCh38, 1-based): chr1:150,077,674, G>A. VCF-style: chr1-150077674-G-A. GRCh37 (hg19) VCF-style: chr1-150049752-G-A.
Other names: c.582G>A (NM_007259.4); c.267G>A, p.Val89= (NM_001279353.2); c.474G>A, p.Val158= (NM_001279354.2).
Identifiers: ClinVar variation 3013712 (VCV003013712.5), dbSNP rs1553798423, ClinGen allele CA420660547.
Genomic context (GRCh38, chr1:150,077,674, plus strand): 5'-CATTTCTATATGTAACTAGATGGTTGCACAAACCATCTTTCTCTCTCACCCACAGCAAGT[G>A]ATAACTAAAGAATATGAACTGTTTGAATTCCGTCGGACAGAGGTTCCTCCATTGCTCCTT-3'
Protein context (NP_009190.2, residues 184-204): AKRLAECVKQ[Val194=]ITKEYELFEF

ClinVar aggregate classification (germline): Likely benign. Review status: criteria provided, single submitter (1 of 4 stars). 2 submissions from 2 submitters: Likely benign (1). 1 of the submissions does not count toward it. Last evaluated 2023-11-24.

Conditions:
VPS45-related disorder. Also called: VPS45-related condition.
Congenital neutropenia-myelofibrosis-nephromegaly syndrome. Also called: Severe congenital neutropenia 5, autosomal recessive. Identifiers: Orphanet 369852, MedGen C3809031, MONDO:0014118, OMIM 615285.

Submissions (2):

Labcorp Genetics (formerly Invitae), Labcorp
Classification: Likely benign for Congenital neutropenia-myelofibrosis-nephromegaly syndrome. Last evaluated: 2023-11-24. Review status: criteria provided, single submitter. Criteria: Invitae Variant Classification Sherloc (09022015). Collection method: clinical testing. Allele origin: germline.

PreventionGenetics, part of Exact Sciences
Classification: Likely benign for VPS45-related condition. Last evaluated: 2022-06-15. Review status: no assertion criteria provided. Collection method: clinical testing. Allele origin: germline. Not counted in ClinVar's aggregate classification.
Comment: This variant is classified as likely benign based on ACMG/AMP sequence variant interpretation guidelines (Richards et al. 2015 PMID: 25741868, with internal and published modifications).